The following is an entry in ClinVar:

NM_024685.4(BBS10):c.313_314del (p.Lys105fs)

Gene: BBS10 (Bardet-Biedl syndrome 10; minus strand). Cytogenetic location: 12q21.2.
Variant type: Deletion.
Coding change: c.313_314del on transcript NM_024685.4 (MANE Select); coding-DNA positions 313 to 314, 2 bases deleted (AA; older notation c.313_314delAA).
Protein change: p.Lys105fs; shifts the reading frame from lysine 105.
Molecular consequence: frameshift variant.
Genome position (GRCh38, 1-based): chr12:76,347,671-76,347,672, TT deleted on the plus strand (AA on the coding strand, the reverse complement: BBS10 is on the minus strand); deleting any 2 consecutive bases within chr12:76,347,671-76,347,674 gives the same sequence; the c. name uses the placement nearest the transcript's 3' end. VCF-style (leftmost placement, unchanged base first): chr12-76347670-CTT-C. GRCh37 (hg19) VCF-style: chr12-76741450-CTT-C.
Other names: short protein forms K105fs.
Identifiers: ClinVar variation 1072493 (VCV001072493.9), dbSNP rs2136091240, ClinGen allele CA2499221848.
Genomic context (GRCh38, chr12:76,347,670, plus strand): 5'-CCGAGAACAATTTTTCCAATGCCTTCCATGGGTTTGAATGTTTTCACACATCAAAGGATC[CTT>C]TTCTCTGTCTGTGATTGCATGAAGTCCTCTAAGCAAATGGCAAAGAAAGATAATAAATGT-3'

ClinVar aggregate classification (germline): Pathogenic (1 of 4 stars; one submission).

Conditions:
Bardet-Biedl syndrome (BBS). Identifiers: Orphanet 110, MedGen C0752166, MONDO:0015229.

Submission:

Labcorp Genetics (formerly Invitae), Labcorp
Classification: Pathogenic for Bardet-Biedl syndrome. Last evaluated: 2022-05-31. Review status: criteria provided, single submitter. Criteria: Invitae Variant Classification Sherloc (09022015). Collection method: clinical testing. Allele origin: germline.
Comment: This sequence change creates a premature translational stop signal (p.Lys105Glyfs*6) in the BBS10 gene. While this is not anticipated to result in nonsense mediated decay, it is expected to disrupt the last 619 amino acid(s) of the BBS10 protein. This variant is not present in population databases (gnomAD no frequency). This variant has not been reported in the literature in individuals affected with BBS10-related conditions. ClinVar contains an entry for this variant (Variation ID: 1072493). This variant disrupts a region of the BBS10 protein in which other variant(s) (p.Val707*) have been determined to be pathogenic (PMID: 20472660, 25982971, 27486776). This suggests that this is a clinically significant region of the protein, and that variants that disrupt it are likely to be disease-causing. For these reasons, this variant has been classified as Pathogenic.

Literature cited by the submitters: PubMed 20472660; PubMed 25982971; PubMed 27486776.